The following is an entry in ClinVar:

NM_133433.4(NIPBL):c.3968T>A (p.Met1323Lys)

Gene: NIPBL (NIPBL cohesin loading factor; plus strand). Cytogenetic location: 5p13.2.
Variant type: single nucleotide variant.
Coding change: c.3968T>A on transcript NM_133433.4 (MANE Select); coding-DNA position 3968, T replaced by A.
Protein change: p.Met1323Lys; replaces methionine 1323 with lysine.
Molecular consequence: missense variant.
Genome position (GRCh38, 1-based): chr5:37,006,469, T>A. VCF-style: chr5-37006469-T-A. GRCh37 (hg19) VCF-style: chr5-37006571-T-A.
Other names: c.3968T>A, p.Met1323Lys (NM_015384.5); short protein forms M1323K.
Identifiers: ClinVar variation 943426 (VCV000943426.9), dbSNP rs1747444771, ClinGen allele CA359524240.
Genomic context (GRCh38, chr5:37,006,469, plus strand): 5'-GAGTTACAAAATCAGCGGATGCTTGTCTTACAACTATCAACATTATGACATCCCCTAACA[T>A]GCCAAAAGCTGTGTACATTGAGGATGTAATTGAAAGAGTTATACAGTACACTAAATTTCA-3'
Protein context (NP_597677.2, residues 1313-1333): TTINIMTSPN[Met1323Lys]PKAVYIEDVI

ClinVar aggregate classification (germline): Uncertain significance (1 of 4 stars; one submission).

Conditions:
Cornelia de Lange syndrome 1 (CDLS1). Also called: NIPBL-Related Cornelia de Lange Syndrome; Brachmann de Lange syndrome; TYPUS DEGENERATIVUS AMSTELODAMENSIS. Identifiers: Orphanet 199, MedGen C4551851, MONDO:0007387, OMIM 122470.

Submission:

Labcorp Genetics (formerly Invitae), Labcorp
Classification: Uncertain significance for Cornelia de Lange syndrome 1. Last evaluated: 2019-08-23. Review status: criteria provided, single submitter. Criteria: Invitae Variant Classification Sherloc (09022015). Collection method: clinical testing. Allele origin: germline.
Comment: In summary, the available evidence is currently insufficient to determine the role of this variant in disease. Therefore, it has been classified as a Variant of Uncertain Significance. Algorithms developed to predict the effect of sequence changes on RNA splicing suggest that this variant may create or strengthen a splice site, but this prediction has not been confirmed by published transcriptional studies. Algorithms developed to predict the effect of missense changes on protein structure and function are either unavailable or do not agree on the potential impact of this missense change (SIFT: "Deleterious"; PolyPhen-2: "Probably Damaging"; Align-GVGD: "Class C0"). This variant has not been reported in the literature in individuals with NIPBL-related conditions. This variant is not present in population databases (ExAC no frequency). This sequence change replaces methionine with lysine at codon 1323 of the NIPBL protein (p.Met1323Lys). The methionine residue is moderately conserved and there is a moderate physicochemical difference between methionine and lysine.